The following is an entry in ClinVar:

ClinVar aggregate classification (germline): Uncertain significance (1 of 4 stars; one submission).

Allele frequency attached by ClinVar (database versions not stated): gnomAD 0.00001; TOPMed 0.00002; ExAC 0.00003.
gnomAD v4.1: 36 of 1,570,682 alleles (0.0023%); highest among the groups gnomAD compares: South Asian, 0.0046%; 1 homozygote.

Submission:

Labcorp Genetics (formerly Invitae), Labcorp
Classification: Uncertain significance. Last evaluated: 2025-12-20. Review status: criteria provided, single submitter. Criteria: Invitae Variant Classification Sherloc (09022015). Collection method: clinical testing. Allele origin: germline.
Comment: This sequence change replaces arginine, which is basic and polar, with tryptophan, which is neutral and slightly polar, at codon 260 of the TNFRSF6B protein (p.Arg260Trp). The frequency data for this variant in the population databases is considered unreliable, as metrics indicate poor data quality at this position in the gnomAD database. This variant has not been reported in the literature in individuals affected with TNFRSF6B-related conditions. ClinVar contains an entry for this variant (Variation ID: 1922281). An algorithm developed to predict the effect of missense changes on protein structure and function (PolyPhen-2) suggests that this variant is likely to be disruptive. In summary, the available evidence is currently insufficient to determine the role of this variant in disease. Therefore, it has been classified as a Variant of Uncertain Significance.

NM_003823.4(TNFRSF6B):c.778C>T (p.Arg260Trp)

Genes: RTEL1-TNFRSF6B (RTEL1-TNFRSF6B readthrough (NMD candidate); plus strand), TNFRSF6B (TNF receptor superfamily member 6b; plus strand). Cytogenetic location: 20q13.33.
Variant type: single nucleotide variant.
Coding change: c.778C>T on transcript NM_003823.4 (MANE Select); coding-DNA position 778, C replaced by T.
Protein change: p.Arg260Trp; replaces arginine 260 with tryptophan.
Molecular consequence: missense variant. On other transcripts: non-coding transcript variant (1).
Genome position (GRCh38, 1-based): chr20:63,698,438, C>T. VCF-style: chr20-63698438-C-T. GRCh37 (hg19) VCF-style: chr20-62329791-C-T.
Other names: short protein forms R260W.
Identifiers: ClinVar variation 1922281 (VCV001922281.5), dbSNP rs753574890, ClinGen allele CA9966607.
Genomic context (GRCh38, chr20:63,698,438, plus strand): 5'-GAGGGCTGGGGTCCGACACCAAGGGCGGGCCGCGCGGCCTTGCAGCTGAAGCTGCGTCGG[C>T]GGCTCACGGAGCTCCTGGGGGCGCAGGACGGGGCGCTGCTGGTGCGGCTGCTGCAGGCGC-3'
Protein context (NP_003814.1, residues 250-270): RAALQLKLRR[Arg260Trp]LTELLGAQDG